The following is an entry in ClinVar:

ClinVar aggregate classification (germline): Uncertain significance (1 of 4 stars; one submission).

Allele frequency attached by ClinVar (database versions not stated): gnomAD exomes below 0.00001; TOPMed below 0.00001; ExAC 0.00001; gnomAD 0.00001.
gnomAD v4.1: 2 of 1,405,144 alleles (0.00014%); highest among the groups gnomAD compares: African/African-American, 0.0028%; no homozygotes.

Submission:

Labcorp Genetics (formerly Invitae), Labcorp
Classification: Uncertain significance. Last evaluated: 2020-10-22. Review status: criteria provided, single submitter. Criteria: Invitae Variant Classification Sherloc (09022015). Collection method: clinical testing. Allele origin: germline.
Comment: Algorithms developed to predict the effect of sequence changes on RNA splicing suggest that this variant may disrupt the consensus splice site, but this prediction has not been confirmed by published transcriptional studies. In summary, the available evidence is currently insufficient to determine the role of this variant in disease. Therefore, it has been classified as a Variant of Uncertain Significance. This variant has not been reported in the literature in individuals with ABRAXAS1-related conditions. This variant is present in population databases (rs752868005, ExAC 0.01%). This sequence change falls in intron 6 of the ABRAXAS1 gene. It does not directly change the encoded amino acid sequence of the ABRAXAS1 protein.

NM_139076.3(ABRAXAS1):c.597-10T>A

Gene: ABRAXAS1 (abraxas 1, BRCA1 A complex subunit; minus strand). Cytogenetic location: 4q21.23.
Variant type: single nucleotide variant.
Coding change: c.597-10T>A on transcript NM_139076.3 (MANE Select); 10 bases into the intron before coding-DNA position 597, T replaced by A.
Molecular consequence: intron variant.
Genome position (GRCh38, 1-based): chr4:83,467,548, A>T on the plus strand (T>A on the coding strand, the complement: ABRAXAS1 is on the minus strand). VCF-style: chr4-83467548-A-T. GRCh37 (hg19) VCF-style: chr4-84388701-A-T.
Other names: c.270-10T>A (NM_001345962.2).
Identifiers: ClinVar variation 1017650 (VCV001017650.8), dbSNP rs752868005, ClinGen allele CA2990500.
Genomic context (GRCh38, chr4:83,467,548, plus strand): 5'-TTTATCTTATGTACCTCCTTTAAGGATCCATCTTCTTCAAAAAATTTAGAGCTGTAAAAA[A>T]TTACCATTTCCTCAGGCAAATACACAAAACCATTTTAATGATAAGGTGAAAAACTTATTC-3'